The following is an entry in ClinVar:

NM_194248.3(OTOF):c.510-1G>A

Gene: OTOF (otoferlin; minus strand). Cytogenetic location: 2p23.3.
Variant type: single nucleotide variant.
Coding change: c.510-1G>A on transcript NM_194248.3 (MANE Select); the canonical splice acceptor site of the intron before coding-DNA position 510, G replaced by A.
Molecular consequence: splice acceptor variant.
Genome position (GRCh38, 1-based): chr2:26,503,846, C>T on the plus strand (G>A on the coding strand, the complement: OTOF is on the minus strand). VCF-style: chr2-26503846-C-T. GRCh37 (hg19) VCF-style: chr2-26726714-C-T.
Other names: c.510-1G>A (NM_001287489.2, NM_194248.2).
Identifiers: ClinVar variation 2779834 (VCV002779834.4), dbSNP rs147151719, ClinGen allele CA1564615.

ClinVar aggregate classification (germline): Conflicting classifications of pathogenicity. Review status: criteria provided, conflicting classifications (1 of 4 stars). 2 submissions from 2 submitters: Likely pathogenic (1); Uncertain significance (1). Last evaluated 2026-04-04.

Conditions:
OTOF-related disorder. Also called: OTOF-related condition.

Allele frequency attached by ClinVar (database versions not stated): gnomAD exomes below 0.00001; gnomAD 0.00001; TOPMed 0.00001; ExAC 0.00002; ESP Exome Variant Server 0.00015.
gnomAD v4.1: 8 of 1,613,948 alleles (0.0005%); highest among the groups gnomAD compares: South Asian, 0.0022%; no homozygotes.

Submissions (2):

PreventionGenetics, part of Exact Sciences
Classification: Uncertain significance for OTOF-related condition. Last evaluated: 2026-04-04. Review status: criteria provided, single submitter. Criteria: ACMG Guidelines, 2015. Collection method: clinical testing. Allele origin: germline.
Comment: The OTOF c.510-1G>A variant is predicted to disrupt the AG splice acceptor site and interfere with normal splicing. To our knowledge, this variant has not been reported in individuals with OTOF-related disorders. This variant occurs in exon 6; to date, no loss-of-function variants prior to exon 7 have been reported in the literature. This variant is reported in 0.00088% of alleles in individuals of European (Non-Finnish) descent in gnomAD. At this time, the clinical significance of this variant is uncertain due to the absence of conclusive functional and genetic evidence.

Labcorp Genetics (formerly Invitae), Labcorp
Classification: Likely pathogenic. Last evaluated: 2023-08-07. Review status: criteria provided, single submitter. Criteria: Invitae Variant Classification Sherloc (09022015). Collection method: clinical testing. Allele origin: germline.
Comment: This sequence change affects an acceptor splice site in intron 5 of the OTOF gene. It is expected to disrupt RNA splicing. Variants that disrupt the donor or acceptor splice site typically lead to a loss of protein function (PMID: 16199547), and loss-of-function variants in OTOF are known to be pathogenic (PMID: 18381613, 19250381, 22575033). This variant is present in population databases (rs147151719, gnomAD 0.0009%). This variant has not been reported in the literature in individuals affected with OTOF-related conditions. Algorithms developed to predict the effect of sequence changes on RNA splicing suggest that this variant may disrupt the consensus splice site. In summary, the currently available evidence indicates that the variant is pathogenic, but additional data are needed to prove that conclusively. Therefore, this variant has been classified as Likely Pathogenic.

Literature cited by the submitters: PubMed 16199547 (cited by Labcorp Genetics (formerly Invitae), Labcorp); PubMed 18381613 (cited by Labcorp Genetics (formerly Invitae), Labcorp); PubMed 19250381 (cited by Labcorp Genetics (formerly Invitae), Labcorp); PubMed 22575033 (cited by Labcorp Genetics (formerly Invitae), Labcorp).